The following is an entry in ClinVar:

NM_000256.3(MYBPC3):c.2338A>G (p.Ile780Val)

Gene: MYBPC3 (myosin binding protein C3; minus strand). Cytogenetic location: 11p11.2.
Variant type: single nucleotide variant.
Coding change: c.2338A>G on transcript NM_000256.3 (MANE Select); coding-DNA position 2338, A replaced by G.
Protein change: p.Ile780Val; replaces isoleucine 780 with valine.
Molecular consequence: missense variant.
Genome position (GRCh38, 1-based): chr11:47,337,765, T>C on the plus strand (A>G on the coding strand, the complement: MYBPC3 is on the minus strand). VCF-style: chr11-47337765-T-C. GRCh37 (hg19) VCF-style: chr11-47359316-T-C.
Other names: short protein forms I780V.
Identifiers: ClinVar variation 3016790 (VCV003016790.4), dbSNP rs2495750562, ClinGen allele CA380319012.

ClinVar aggregate classification (germline): Conflicting classifications of pathogenicity. Review status: criteria provided, conflicting classifications (1 of 4 stars). 2 submissions from 2 submitters: Uncertain significance (1); Likely benign (1). Last evaluated 2026-05-11.

Conditions:
Cardiovascular phenotype. Identifiers: MedGen CN230736.
Hypertrophic cardiomyopathy. Also called: HYPERTROPHIC MYOCARDIOPATHY. Identifiers: Orphanet 217569, MedGen C0007194, MeSH D002312, MONDO:0005045, HP:0001639.

Submissions (2):

Ambry Genetics
Classification: Likely benign for Cardiovascular phenotype. Last evaluated: 2026-05-11. Review status: criteria provided, single submitter. Criteria: Ambry Variant Classification Scheme 2023. Collection method: clinical testing. Allele origin: germline.

Labcorp Genetics (formerly Invitae), Labcorp
Classification: Uncertain significance for Hypertrophic cardiomyopathy. Last evaluated: 2024-10-29. Review status: criteria provided, single submitter. Criteria: Invitae Variant Classification Sherloc (09022015). Collection method: clinical testing. Allele origin: germline.
Comment: This sequence change replaces isoleucine, which is neutral and non-polar, with valine, which is neutral and non-polar, at codon 780 of the MYBPC3 protein (p.Ile780Val). This variant is not present in population databases (gnomAD no frequency). This variant has not been reported in the literature in individuals affected with MYBPC3-related conditions. ClinVar contains an entry for this variant (Variation ID: 3016790). An algorithm developed to predict the effect of missense changes on protein structure and function outputs the following: PolyPhen-2: "Benign". The valine amino acid residue is found in multiple mammalian species, which suggests that this missense change does not adversely affect protein function. In summary, the available evidence is currently insufficient to determine the role of this variant in disease. Therefore, it has been classified as a Variant of Uncertain Significance.